The following is an entry in ClinVar:

NM_006579.3(EBP):c.38C>G (p.Pro13Arg)

Gene: EBP (EBP cholestenol delta-isomerase; plus strand). Cytogenetic location: Xp11.23.
Variant type: single nucleotide variant.
Coding change: c.38C>G on transcript NM_006579.3 (MANE Select); coding-DNA position 38, C replaced by G.
Protein change: p.Pro13Arg; replaces proline 13 with arginine.
Molecular consequence: missense variant.
Genome position (GRCh38, 1-based): chrX:48,523,809, C>G. VCF-style: chrX-48523809-C-G. GRCh37 (hg19) VCF-style: chrX-48382197-C-G.
Other names: c.38C>G (NM_006579.2); short protein forms P13R.
Identifiers: ClinVar variation 1965021 (VCV001965021.30), dbSNP rs150034611, ClinGen allele CA10402965.

ClinVar aggregate classification (germline): Conflicting classifications of pathogenicity. Review status: criteria provided, conflicting classifications (1 of 4 stars). 3 submissions from 3 submitters: Uncertain significance (1); Benign (1); Likely benign (1). Last evaluated 2026-01-05.

Allele frequency attached by ClinVar (database versions not stated): ExAC 0.00008; TOPMed 0.00011; gnomAD 0.00013; gnomAD exomes 0.00014; ESP Exome Variant Server 0.00019.
gnomAD v4.1: 164 of 1,205,503 alleles (0.014%); highest among the groups gnomAD compares: Non-Finnish European, 0.017%; no homozygotes.

Submissions (3):

Labcorp Genetics (formerly Invitae), Labcorp
Classification: Benign. Last evaluated: 2026-01-05. Review status: criteria provided, single submitter. Criteria: Invitae Variant Classification Sherloc (09022015). Collection method: clinical testing. Allele origin: germline.

CeGaT Center for Human Genetics Tuebingen
Classification: Likely benign. Last evaluated: 2023-01-01. Review status: criteria provided, single submitter. Criteria: CeGaT Center For Human Genetics Tuebingen Variant Classification Criteria Version 2. Collection method: clinical testing. Allele origin: germline. Affected: yes. Observed: 1 variant allele.
Comment: EBP: BS2

GeneDx
Classification: Uncertain significance. Last evaluated: 2022-12-20. Review status: criteria provided, single submitter. Criteria: GeneDx Variant Classification Process June 2021. Collection method: clinical testing. Allele origin: germline. Affected: yes.
Comment: In silico analysis supports that this missense variant has a deleterious effect on protein structure/function; Has not been previously published as pathogenic or benign to our knowledge